The following is an entry in ClinVar:

ClinVar aggregate classification (germline): Likely benign (0 of 4 stars; one submission).

Conditions:
PPP1R21-related disorder. Also called: PPP1R21-related condition.

Allele frequency attached by ClinVar (database versions not stated): ExAC 0.00012; 1000 Genomes Project 30x 0.00047; 1000 Genomes Project 0.00060; gnomAD 0.00065; ESP Exome Variant Server 0.00077; TOPMed 0.00082.
gnomAD v4.1: 223 of 1,614,172 alleles (0.014%); highest among the groups gnomAD compares: African/African-American, 0.24%; no homozygotes.

Submission:

PreventionGenetics, part of Exact Sciences
Classification: Likely benign for PPP1R21-related condition. Last evaluated: 2019-05-02. Review status: no assertion criteria provided. Collection method: clinical testing. Allele origin: germline.
Comment: This variant is classified as likely benign based on ACMG/AMP sequence variant interpretation guidelines (Richards et al. 2015 PMID: 25741868, with internal and published modifications).

NM_001135629.3(PPP1R21):c.231A>G (p.Gln77=)

Gene: PPP1R21 (protein phosphatase 1 regulatory subunit 21; plus strand). Cytogenetic location: 2p16.3.
Variant type: single nucleotide variant.
Coding change: c.231A>G on transcript NM_001135629.3 (MANE Select); coding-DNA position 231, A replaced by G.
Protein change: p.Gln77=; no amino-acid change (glutamine 77 retained).
Molecular consequence: synonymous variant. On other transcripts: non-coding transcript variant (1).
Genome position (GRCh38, 1-based): chr2:48,454,699, A>G. VCF-style: chr2-48454699-A-G. GRCh37 (hg19) VCF-style: chr2-48681838-A-G.
Other names: c.231A>G, p.Gln77= (NM_001193475.2, NM_152994.5).
Identifiers: ClinVar variation 3037942 (VCV003037942.2), dbSNP rs143067822, ClinGen allele CA1650735.